The following is an entry in ClinVar:

NM_001130987.2(DYSF):c.3317C>G (p.Ala1106Gly)

Gene: DYSF (dysferlin; plus strand). Cytogenetic location: 2p13.2.
Variant type: single nucleotide variant.
Coding change: c.3317C>G on transcript NM_001130987.2 (MANE Select); coding-DNA position 3317, C replaced by G.
Protein change: p.Ala1106Gly; replaces alanine 1106 with glycine.
Molecular consequence: missense variant.
Genome position (GRCh38, 1-based): chr2:71,574,286, C>G. VCF-style: chr2-71574286-C-G. GRCh37 (hg19) VCF-style: chr2-71801416-C-G.
Other names: c.3221C>G, p.Ala1074Gly (NM_001130977.2, NM_001130976.2); c.3263C>G, p.Ala1088Gly (NM_001130978.2, NM_003494.4); c.3356C>G, p.Ala1119Gly (NM_001130979.2); c.3314C>G, p.Ala1105Gly (NM_001130980.2, NM_001130981.2); c.3359C>G, p.Ala1120Gly (NM_001130982.2); c.3266C>G, p.Ala1089Gly (NM_001130983.2, NM_001130455.2); c.3224C>G, p.Ala1075Gly (NM_001130984.2, NM_001130986.2); c.3317C>G, p.Ala1106Gly (NM_001130985.2); short protein forms A1075G, A1088G, A1106G, A1119G, A1074G, A1089G, A1105G, A1120G.
Identifiers: ClinVar variation 945471 (VCV000945471.10), dbSNP rs1486623448, ClinGen allele CA347218224.

ClinVar aggregate classification (germline): Uncertain significance. Review status: criteria provided, single submitter (1 of 4 stars). 2 submissions from 2 submitters: Uncertain significance (1). 1 of the submissions does not count toward it. Last evaluated 2024-02-24.

Conditions:
Autosomal recessive limb-girdle muscular dystrophy type 2B (LGMDR2). Also called: Limb-Girdle Muscular Dystrophy Type 2B (LGMD2B); MUSCULAR DYSTROPHY, LIMB-GIRDLE, TYPE 3; Limb-girdle muscular dystrophy, type 2B; MUSCULAR DYSTROPHY, LIMB-GIRDLE, AUTOSOMAL RECESSIVE 2. Identifiers: Orphanet 268, MedGen C1850889, MONDO:0009676, OMIM 253601.
Neuromuscular disease caused by qualitative or quantitative defects of dysferlin. Also called: Dysferlinopathy; Qualitative or quantitative defects of dysferlin. Identifiers: Orphanet 207073, MedGen C2931687, MONDO:0016145.

Allele frequency attached by ClinVar (database versions not stated): gnomAD exomes below 0.00001; gnomAD 0.00001; TOPMed 0.00001.
gnomAD v4.1: 4 of 1,613,944 alleles (0.00025%); highest among the groups gnomAD compares: East Asian, 0.0022%; no homozygotes.

Submissions (2):

Labcorp Genetics (formerly Invitae), Labcorp
Classification: Uncertain significance for Neuromuscular disease caused by qualitative or quantitative defects of dysferlin. Last evaluated: 2024-02-24. Review status: criteria provided, single submitter. Criteria: Invitae Variant Classification Sherloc (09022015). Collection method: clinical testing. Allele origin: germline.
Comment: This sequence change replaces alanine, which is neutral and non-polar, with glycine, which is neutral and non-polar, at codon 1088 of the DYSF protein (p.Ala1088Gly). This variant is present in population databases (no rsID available, gnomAD 0.006%). This variant has not been reported in the literature in individuals affected with DYSF-related conditions. ClinVar contains an entry for this variant (Variation ID: 945471). Advanced modeling of protein sequence and biophysical properties (such as structural, functional, and spatial information, amino acid conservation, physicochemical variation, residue mobility, and thermodynamic stability) performed at Invitae indicates that this missense variant is not expected to disrupt DYSF protein function with a negative predictive value of 95%. In summary, the available evidence is currently insufficient to determine the role of this variant in disease. Therefore, it has been classified as a Variant of Uncertain Significance.

Natera, Inc.
Classification: Uncertain significance for Limb-girdle muscular dystrophy type 2B. Last evaluated: 2020-02-27. Review status: no assertion criteria provided. Collection method: clinical testing. Allele origin: germline. Not counted in ClinVar's aggregate classification.